The following is an entry in ClinVar:

NM_004733.4(SLC33A1):c.512A>G (p.Asp171Gly)

Gene: SLC33A1 (solute carrier family 33 member 1; minus strand). Cytogenetic location: 3q25.31.
Variant type: single nucleotide variant.
Coding change: c.512A>G on transcript NM_004733.4 (MANE Select); coding-DNA position 512, A replaced by G.
Protein change: p.Asp171Gly; replaces aspartic acid 171 with glycine.
Molecular consequence: missense variant.
Genome position (GRCh38, 1-based): chr3:155,853,486, T>C on the plus strand (A>G on the coding strand, the complement: SLC33A1 is on the minus strand). VCF-style: chr3-155853486-T-C. GRCh37 (hg19) VCF-style: chr3-155571275-T-C.
Other names: c.512A>G, p.Asp171Gly (NM_001190992.2, NM_001363883.1); short protein forms D171G.
Identifiers: ClinVar variation 259528 (VCV000259528.15), dbSNP rs3804769, ClinGen allele CA2677409.

ClinVar aggregate classification (germline): Benign. Review status: criteria provided, multiple submitters, no conflicts (2 of 4 stars). 7 submissions from 6 submitters: Benign (7). Last evaluated 2026-02-01.

Conditions:
Spastic paraplegia. Identifiers: MedGen C0037772, HP:0001258.
Huppke-Brendel syndrome. Also called: Congenital cataract-hearing loss-severe developmental delay syndrome; ACETYL-CoA TRANSPORTER DEFICIENCY. Identifiers: Orphanet 300313, MedGen C4751114, MONDO:0013772, OMIM 614482.
Hereditary spastic paraplegia 42. Also called: SPASTIC PARAPLEGIA 42, AUTOSOMAL DOMINANT. Identifiers: Orphanet 171863, MedGen C2675528, MONDO:0012928, OMIM 612539.

Allele frequency attached by ClinVar (database versions not stated): gnomAD 0.07382 and 0.07797; ESP Exome Variant Server 0.06774; TOPMed 0.07825; gnomAD exomes 0.08290 and 0.06370; 1000 Genomes Project 0.12340; ExAC 0.08507; 1000 Genomes Project 30x 0.12477.

Submissions (7):

Labcorp Genetics (formerly Invitae), Labcorp
Classification: Benign for Spastic paraplegia. Last evaluated: 2026-02-01. Review status: criteria provided, single submitter. Criteria: Invitae Variant Classification Sherloc (09022015). Collection method: clinical testing. Allele origin: germline.

Genome-Nilou Lab
Classification: Benign for Huppke-Brendel syndrome. Last evaluated: 2021-07-15. Review status: criteria provided, single submitter. Criteria: ACMG Guidelines, 2015. Collection method: clinical testing. Allele origin: germline. Affected: no.

Genome-Nilou Lab
Classification: Benign for Hereditary spastic paraplegia 42. Last evaluated: 2021-07-15. Review status: criteria provided, single submitter. Criteria: ACMG Guidelines, 2015. Collection method: clinical testing. Allele origin: germline. Affected: no.

GeneDx
Classification: Benign. Last evaluated: 2018-05-10. Review status: criteria provided, single submitter. Criteria: GeneDx Variant Classification (06012015). Collection method: clinical testing. Allele origin: germline. Affected: yes.
Comment: This variant is considered likely benign or benign based on one or more of the following criteria: it is a conservative change, it occurs at a poorly conserved position in the protein, it is predicted to be benign by multiple in silico algorithms, and/or has population frequency not consistent with disease.

Mayo Clinic Laboratories, Mayo Clinic
Classification: Benign. Last evaluated: 2017-08-25. Review status: criteria provided, single submitter. Criteria: ACMG Guidelines, 2015. Collection method: clinical testing. Allele origin: germline. Observed: 110 variant alleles.

Breakthrough Genomics
Classification: Benign. Review status: criteria provided, single submitter. Criteria: ACMG Guidelines, 2015. Collection method: not provided. Allele origin: germline. Inheritance: Autosomal recessive inheritance. Affected: yes.

PreventionGenetics, part of Exact Sciences
Classification: Benign. Review status: criteria provided, single submitter. Criteria: ACMG Guidelines, 2015. Collection method: clinical testing. Allele origin: germline.